The following is an entry in ClinVar:

ClinVar aggregate classification (germline): Conflicting classifications of pathogenicity. Review status: criteria provided, conflicting classifications (1 of 4 stars). 2 submissions from 2 submitters: Uncertain significance (1); Likely benign (1). Last evaluated 2025-08-27.

Conditions:
Hereditary cancer-predisposing syndrome. Also called: Neoplastic Syndromes, Hereditary; Tumor predisposition; Hereditary neoplastic syndrome; Hereditary Cancer Syndrome. Identifiers: Orphanet 140162, MedGen C0027672, MeSH D009386, MONDO:0015356.
Familial adenomatous polyposis 2. Also called: COLORECTAL ADENOMATOUS POLYPOSIS, AUTOSOMAL RECESSIVE; ADENOMAS, MULTIPLE COLORECTAL, AUTOSOMAL RECESSIVE; MUTYH-associated polyposis; FAP type 2; MUTYH-related attenuated familial adenomatous polyposis; Adenomas, multiple colorectal. Identifiers: Orphanet 220460, Orphanet 247798, MedGen C3272841, MONDO:0012041, OMIM 608456.

Submissions (2):

Ambry Genetics
Classification: Likely benign for Hereditary cancer-predisposing syndrome. Last evaluated: 2025-08-27. Review status: criteria provided, single submitter. Criteria: Ambry Variant Classification Scheme 2023. Collection method: clinical testing. Allele origin: germline.

Labcorp Genetics (formerly Invitae), Labcorp
Classification: Uncertain significance for Familial adenomatous polyposis 2. Last evaluated: 2021-02-26. Review status: criteria provided, single submitter. Criteria: Invitae Variant Classification Sherloc (09022015). Collection method: clinical testing. Allele origin: germline.
Comment: Algorithms developed to predict the effect of missense changes on protein structure and function output the following: SIFT: "Tolerated"; PolyPhen-2: "Benign"; Align-GVGD: "Class C0". The leucine amino acid residue is found in multiple mammalian species, suggesting that this missense change does not adversely affect protein function. These predictions have not been confirmed by published functional studies. This sequence change replaces proline with leucine at codon 334 of the MUTYH protein (p.Pro334Leu). The proline residue is weakly conserved and there is a moderate physicochemical difference between proline and leucine. This variant is not present in population databases (ExAC no frequency) and has not been reported in the literature in individuals with a MUTYH-related disease. In summary, this variant is a novel missense change that is not predicted to affect protein function. There is no indication that it causes disease, but the available evidence is currently insufficient to prove that conclusively. Therefore, it has been classified as a Variant of Uncertain Significance.

NM_001048174.2(MUTYH):c.917C>T (p.Pro306Leu)

Gene: MUTYH (mutY DNA glycosylase; minus strand). Cytogenetic location: 1p34.1.
Variant type: single nucleotide variant.
Coding change: c.917C>T on transcript NM_001048174.2 (MANE Select); coding-DNA position 917, C replaced by T.
Protein change: p.Pro306Leu; replaces proline 306 with leucine.
Molecular consequence: missense variant. On other transcripts: non-coding transcript variant (2).
Genome position (GRCh38, 1-based): chr1:45,331,846, G>A on the plus strand (C>T on the coding strand, the complement: MUTYH is on the minus strand). VCF-style: chr1-45331846-G-A. GRCh37 (hg19) VCF-style: chr1-45797518-G-A.
Other names: c.917C>T, p.Pro306Leu (NM_001048171.2, NM_001048173.2, NM_001293195.2); c.920C>T, p.Pro307Leu (NM_001048172.2); c.1001C>T, p.Pro334Leu (NM_001128425.2); c.962C>T, p.Pro321Leu (NM_001293190.2); c.950C>T, p.Pro317Leu (NM_001293191.2); c.641C>T, p.Pro214Leu (NM_001293192.2, NM_001293196.2); c.572C>T, p.Pro191Leu (NM_001350650.2, NM_001350651.2); c.992C>T, p.Pro331Leu (NM_012222.3); short protein forms P334L, P191L, P307L, P321L, P214L, P306L, P317L, P331L.
Identifiers: ClinVar variation 464674 (VCV000464674.9), dbSNP rs1553127049, ClinGen allele CA340133932.